The following is an entry in ClinVar:

ClinVar aggregate classification (germline): Benign (1 of 4 stars; one submission).

Allele frequency attached by ClinVar (database versions not stated): gnomAD 0.61932 and 0.62614; TOPMed 0.62667; 1000 Genomes Project 30x 0.65350; 1000 Genomes Project 0.65974.
gnomAD v4.1: 95,253 of 152,132 alleles (63%); highest among the groups gnomAD compares: Admixed American, 73%; 30,180 homozygotes.

Submission:

GeneDx
Classification: Benign. Last evaluated: 2018-06-14. Review status: criteria provided, single submitter. Criteria: GeneDx Variant Classification (06012015). Collection method: clinical testing. Allele origin: germline. Affected: yes.
Comment: This variant is considered likely benign or benign based on one or more of the following criteria: it is a conservative change, it occurs at a poorly conserved position in the protein, it is predicted to be benign by multiple in silico algorithms, and/or has population frequency not consistent with disease.

NM_058246.4(DNAJB6):c.692-207T>A

Gene: DNAJB6 (DnaJ heat shock protein family (Hsp40) member B6; plus strand). Cytogenetic location: 7q36.3.
Variant type: single nucleotide variant.
Coding change: c.692-207T>A on transcript NM_058246.4 (MANE Select); 207 bases into the intron before coding-DNA position 692, T replaced by A.
Molecular consequence: intron variant.
Genome position (GRCh38, 1-based): chr7:157,409,588, T>A. VCF-style: chr7-157409588-T-A. GRCh37 (hg19) VCF-style: chr7-157202282-T-A.
Other names: c.347-207T>A (NM_001363676.1).
Identifiers: ClinVar variation 679305 (VCV000679305.1), dbSNP rs7791587, ClinGen allele CA12552391.